The following is an entry in ClinVar:

NM_001080453.3(INTS1):c.2891A>G (p.Asp964Gly)

Gene: INTS1 (integrator complex subunit 1; minus strand). Cytogenetic location: 7p22.3.
Variant type: single nucleotide variant.
Coding change: c.2891A>G on transcript NM_001080453.3 (MANE Select); coding-DNA position 2891, A replaced by G.
Protein change: p.Asp964Gly; replaces aspartic acid 964 with glycine.
Molecular consequence: missense variant.
Genome position (GRCh38, 1-based): chr7:1,486,710, T>C on the plus strand (A>G on the coding strand, the complement: INTS1 is on the minus strand). VCF-style: chr7-1486710-T-C. GRCh37 (hg19) VCF-style: chr7-1526346-T-C.
Other names: short protein forms D964G.
Identifiers: ClinVar variation 3371058 (VCV003371058.1).

ClinVar aggregate classification (germline): Uncertain significance (1 of 4 stars; one submission).

gnomAD v4.1: 17 of 1,612,618 alleles (0.0011%); highest among the groups gnomAD compares: Middle Eastern, 0.016%; no homozygotes.

Submission:

GeneDx
Classification: Uncertain significance. Last evaluated: 2024-03-14. Review status: criteria provided, single submitter. Criteria: GeneDx Variant Classification Process June 2021. Collection method: clinical testing. Allele origin: germline. Affected: yes.
Comment: Not observed at significant frequency in large population cohorts (gnomAD); In silico analysis supports that this missense variant has a deleterious effect on protein structure/function; Has not been previously published as pathogenic or benign to our knowledge